The following is an entry in ClinVar:

ClinVar aggregate classification (germline): Uncertain significance (1 of 4 stars; one submission).

Allele frequency attached by ClinVar (database versions not stated): gnomAD exomes below 0.00001.
gnomAD v4.1: 1 of 1,600,318 alleles (0.000062%); highest among the groups gnomAD compares: Non-Finnish European, 0.000085%; no homozygotes.

Submission:

Labcorp Genetics (formerly Invitae), Labcorp
Classification: Uncertain significance. Last evaluated: 2025-02-07. Review status: criteria provided, single submitter. Criteria: Invitae Variant Classification Sherloc (09022015). Collection method: clinical testing. Allele origin: germline.
Comment: This sequence change replaces arginine, which is basic and polar, with tryptophan, which is neutral and slightly polar, at codon 556 of the TNNI3K protein (p.Arg556Trp). This variant is present in population databases (no rsID available, gnomAD 0.0009%). This variant has not been reported in the literature in individuals affected with TNNI3K-related conditions. ClinVar contains an entry for this variant (Variation ID: 2783839). An algorithm developed to predict the effect of missense changes on protein structure and function (PolyPhen-2) suggests that this variant is likely to be disruptive. Algorithms developed to predict the effect of sequence changes on RNA splicing suggest that this variant may disrupt the consensus splice site. In summary, the available evidence is currently insufficient to determine the role of this variant in disease. Therefore, it has been classified as a Variant of Uncertain Significance.

NM_015978.3(TNNI3K):c.1666A>T (p.Arg556Trp)

Genes: FPGT-TNNI3K (FPGT-TNNI3K readthrough; plus strand), TNNI3K (TNNI3 interacting kinase; plus strand). Cytogenetic location: 1p31.1.
Variant type: single nucleotide variant.
Coding change: c.1666A>T on transcript NM_015978.3 (MANE Select); coding-DNA position 1666, A replaced by T.
Protein change: p.Arg556Trp; replaces arginine 556 with tryptophan.
Molecular consequence: missense variant.
Genome position (GRCh38, 1-based): chr1:74,369,584, A>T. VCF-style: chr1-74369584-A-T. GRCh37 (hg19) VCF-style: chr1-74835268-A-T.
Other names: c.1969A>T, p.Arg657Trp (NM_001112808.3, NM_001199327.2); short protein forms R657W, R556W.
Identifiers: ClinVar variation 2783839 (VCV002783839.3), dbSNP rs1258835706, ClinGen allele CA340786465.